The following is an entry in ClinVar:

ClinVar aggregate classification (germline): Likely benign. Review status: criteria provided, multiple submitters, no conflicts (2 of 4 stars). 5 submissions from 5 submitters: Likely benign (5). Last evaluated 2025-11-21.

Conditions:
Hereditary cancer-predisposing syndrome. Also called: Neoplastic Syndromes, Hereditary; Tumor predisposition; Hereditary Cancer Syndrome; Hereditary neoplastic syndrome. Identifiers: Orphanet 140162, MedGen C0027672, MeSH D009386, MONDO:0015356.
Gorlin syndrome. Also called: Basal cell nevus syndrome; Nevoid Basal Cell Carcinoma Syndrome. Identifiers: Orphanet 377, MedGen C0004779, MONDO:0007187.
PTCH1-related disorder. Also called: PTCH1-related disorders; PTCH1-related condition.

Allele frequency attached by ClinVar (database versions not stated): TOPMed 0.00001; gnomAD exomes 0.00002; ExAC 0.00003.
gnomAD v4.1: 20 of 1,573,628 alleles (0.0013%); highest among the groups gnomAD compares: African/African-American, 0.0027%; no homozygotes.

Submissions (5):

PreventionGenetics, part of Exact Sciences
Classification: Likely benign for PTCH1-related condition. Last evaluated: 2025-11-21. Review status: criteria provided, single submitter. Criteria: ACMG Guidelines, 2015. Collection method: clinical testing. Allele origin: germline.
Comment: This variant is classified as likely benign based on ACMG/AMP sequence variant interpretation guidelines (Richards et al. 2015 PMID: 25741868, with internal and published modifications).

Labcorp Genetics (formerly Invitae), Labcorp
Classification: Likely benign for Gorlin syndrome. Last evaluated: 2025-10-02. Review status: criteria provided, single submitter. Criteria: Invitae Variant Classification Sherloc (09022015). Collection method: clinical testing. Allele origin: germline.

Quest Diagnostics Nichols Institute San Juan Capistrano
Classification: Likely benign. Last evaluated: 2025-08-15. Review status: criteria provided, single submitter. Criteria: Quest Diagnostics criteria. Collection method: clinical testing. Allele origin: unknown.

Center for Genomic Medicine, Rigshospitalet, Copenhagen University Hospital
Classification: Likely benign. Last evaluated: 2025-03-04. Review status: criteria provided, single submitter. Criteria: ACMG Guidelines, 2015. Collection method: clinical testing. Allele origin: germline.
Comment: Classification criteria: BP4, BP7

Ambry Genetics
Classification: Likely benign for Hereditary cancer-predisposing syndrome. Last evaluated: 2019-09-28. Review status: criteria provided, single submitter. Criteria: Ambry Variant Classification Scheme 2023. Collection method: clinical testing. Allele origin: germline.

NM_000264.5(PTCH1):c.3621C>T (p.Phe1207=)

Gene: PTCH1 (patched 1; minus strand). Cytogenetic location: 9q22.32.
Variant type: single nucleotide variant.
Coding change: c.3621C>T on transcript NM_000264.5 (MANE Select); coding-DNA position 3621, C replaced by T.
Protein change: p.Phe1207=; no amino-acid change (phenylalanine 1207 retained).
Molecular consequence: synonymous variant. On other transcripts: non-coding transcript variant (1).
Genome position (GRCh38, 1-based): chr9:95,449,252, G>A on the plus strand (C>T on the coding strand, the complement: PTCH1 is on the minus strand). VCF-style: chr9-95449252-G-A. GRCh37 (hg19) VCF-style: chr9-98211534-G-A.
Other names: c.3423C>T, p.Phe1141= (NM_001083602.3); c.3618C>T, p.Phe1206= (NM_001083603.3); c.3168C>T, p.Phe1056= (NM_001083604.3, NM_001083605.3, NM_001083606.3 and 1 more transcripts); c.3465C>T, p.Phe1155= (NM_001354918.2); c.3621C>T (NM_000264.4).
Identifiers: ClinVar variation 719564 (VCV000719564.18), dbSNP rs778335980, ClinGen allele CA5138101.
Genomic context (GRCh38, chr9:95,449,252, plus strand): 5'-GGAACTATACTCCGAGTCGGAGGAATCAGACCCGCTGTGCGTGTGGCCGGGCGGCATGGC[G>A]AAGCGGACCACGCTGGGGGGTGGCTCAGGGGAGGGTGTGGGCAGGCGGTTCAAGCCGTTG-3'
Protein context (NP_000255.2, residues 1197-1217): SPEPPPSVVR[Phe1207=]AMPPGHTHSG